The following is an entry in ClinVar:

ClinVar aggregate classification (germline): Conflicting classifications of pathogenicity. Review status: criteria provided, conflicting classifications (1 of 4 stars). 6 submissions from 6 submitters: Uncertain significance (1); Benign (1); Likely benign (1). 3 of the submissions do not count toward it. Last evaluated 2026-01-11.

Allele frequency attached by ClinVar (database versions not stated): ExAC 0.00019; TOPMed 0.00022.
gnomAD v4.1: 210 of 1,546,432 alleles (0.014%); highest among the groups gnomAD compares: Middle Eastern, 0.085%; no homozygotes.

Submissions (6):

Labcorp Genetics (formerly Invitae), Labcorp
Classification: Benign. Last evaluated: 2026-01-11. Review status: criteria provided, single submitter. Criteria: Invitae Variant Classification Sherloc (09022015). Collection method: clinical testing. Allele origin: germline.

Mayo Clinic Laboratories, Mayo Clinic
Classification: Likely benign. Last evaluated: 2025-10-20. Review status: criteria provided, single submitter. Criteria: ACMG Guidelines, 2015. Collection method: clinical testing. Allele origin: germline. Observed: 4 variant alleles.
Comment: BP4_strong

CeGaT Center for Human Genetics Tuebingen
Classification: Uncertain significance. Last evaluated: 2024-01-01. Review status: criteria provided, single submitter. Criteria: CeGaT Center For Human Genetics Tuebingen Variant Classification Criteria Version 2. Collection method: clinical testing. Allele origin: germline. Affected: yes. Observed: 1 variant allele.
Comment: PIEZO1: PM2

Clinical Genetics DNA and cytogenetics Diagnostics Lab, Erasmus MC, Erasmus Medical Center
Classification: Likely benign. Review status: no assertion criteria provided. Collection method: clinical testing. Allele origin: germline. Affected: yes. Study: VKGL Data-share Consensus. Not counted in ClinVar's aggregate classification.

Genome Diagnostics Laboratory, University Medical Center Utrecht
Classification: Likely benign. Review status: no assertion criteria provided. Collection method: clinical testing. Allele origin: germline. Affected: yes. Study: VKGL Data-share Consensus. Not counted in ClinVar's aggregate classification.

Laboratory of Diagnostic Genome Analysis, Leiden University Medical Center (LUMC)
Classification: Likely benign. Review status: no assertion criteria provided. Collection method: clinical testing. Allele origin: germline. Affected: yes. Study: VKGL Data-share Consensus. Not counted in ClinVar's aggregate classification.

NM_001142864.4(PIEZO1):c.4969C>T (p.Pro1657Ser)

Gene: PIEZO1 (piezo type mechanosensitive ion channel component 1 (Er blood group); minus strand). Cytogenetic location: 16q24.3.
Variant type: single nucleotide variant.
Coding change: c.4969C>T on transcript NM_001142864.4 (MANE Select); coding-DNA position 4969, C replaced by T.
Protein change: p.Pro1657Ser; replaces proline 1657 with serine.
Molecular consequence: missense variant.
Genome position (GRCh38, 1-based): chr16:88,722,053, G>A on the plus strand (C>T on the coding strand, the complement: PIEZO1 is on the minus strand). VCF-style: chr16-88722053-G-A. GRCh37 (hg19) VCF-style: chr16-88788461-G-A.
Other names: p.Pro1657Ser; short protein forms P1657S.
Identifiers: ClinVar variation 1206130 (VCV001206130.29), dbSNP rs763940836, ClinGen allele CA8231977.